The following is an entry in ClinVar:

ClinVar aggregate classification (germline): Uncertain significance (1 of 4 stars; one submission).

gnomAD v4.1: 20 of 1,610,360 alleles (0.0012%); highest among the groups gnomAD compares: Non-Finnish European, 0.0017%; no homozygotes.

Submission:

Mayo Clinic Laboratories, Mayo Clinic
Classification: Uncertain significance. Last evaluated: 2025-01-07. Review status: criteria provided, single submitter. Criteria: ACMG Guidelines, 2015. Collection method: clinical testing. Allele origin: germline. Observed: 1 variant allele.
Comment: BP4_moderate, PM2_supporting

NM_006563.5(KLF1):c.181G>A (p.Glu61Lys)

Gene: KLF1 (KLF transcription factor 1; minus strand). Cytogenetic location: 19p13.13.
Variant type: single nucleotide variant.
Coding change: c.181G>A on transcript NM_006563.5 (MANE Select); coding-DNA position 181, G replaced by A.
Protein change: p.Glu61Lys; replaces glutamic acid 61 with lysine.
Molecular consequence: missense variant.
Genome position (GRCh38, 1-based): chr19:12,886,049, C>T on the plus strand (G>A on the coding strand, the complement: KLF1 is on the minus strand). VCF-style: chr19-12886049-C-T. GRCh37 (hg19) VCF-style: chr19-12996863-C-T.
Other names: p.Glu61Lys; short protein forms E61K.
Identifiers: ClinVar variation 4542310 (VCV004542310.1).
Genomic context (GRCh38, chr19:12,886,049, plus strand): 5'-TGGTGAGGAGGAGATCCAGGTCCCAGGTGGCGTCCGCGCCCCTCTCATCGTCCTCTTCCT[C>T]CCCGGGCTGGTCCTCAGACTTCACGTGGAGGGGCGGCTCCGTGGGGTCAGGAGGACCCGG-3'
Protein context (NP_006554.1, residues 51-71): LHVKSEDQPG[Glu61Lys]EEDDERGADA